The following is an entry in ClinVar:

NM_004393.6(DAG1):c.2552C>T (p.Thr851Met)

Gene: DAG1 (dystroglycan 1; plus strand). Cytogenetic location: 3p21.31.
Variant type: single nucleotide variant.
Coding change: c.2552C>T on transcript NM_004393.6 (MANE Select); coding-DNA position 2552, C replaced by T.
Protein change: p.Thr851Met; replaces threonine 851 with methionine.
Molecular consequence: missense variant.
Genome position (GRCh38, 1-based): chr3:49,533,063, C>T. VCF-style: chr3-49533063-C-T. GRCh37 (hg19) VCF-style: chr3-49570496-C-T.
Other names: c.2552C>T, p.Thr851Met (NM_001165928.4, NM_001177634.3, NM_001177635.3 and 9 more transcripts); short protein forms T851M.
Identifiers: ClinVar variation 666188 (VCV000666188.5), dbSNP rs977000024, ClinGen allele CA74522758.
Genomic context (GRCh38, chr3:49,533,063, plus strand): 5'-ACCCCAACCAGAGTGTGCCCGAGACCACTCCTCTGAACCAGGACACCATGGGAGAGTACA[C>T]GCCCCTGCGGGATGAGGATCCCAATGCGCCTCCCTACCAGCCCCCACCGCCCTTCACAGC-3'
Protein context (NP_004384.5, residues 841-861): PLNQDTMGEY[Thr851Met]PLRDEDPNAP

ClinVar aggregate classification (germline): Uncertain significance (1 of 4 stars; one submission).

Conditions:
Muscular dystrophy-dystroglycanopathy (congenital with brain and eye anomalies), type A9. Also called: WALKER-WARBURG SYNDROME OR MUSCLE-EYE BRAIN DISEASE, DAG1-RELATED; Muscular dystrophy-dystroglycanopathy (congenital with brain and eye anomalies), type a, 9. Identifiers: Orphanet 370997, Orphanet 899, MedGen C4225291, MONDO:0014683, OMIM 616538.
Autosomal recessive limb-girdle muscular dystrophy type 2P. Also called: MUSCULAR DYSTROPHY, LIMB-GIRDLE, TYPE 2P; Limb-Girdle Muscular Dystrophy Type 9C; MUSCULAR DYSTROPHY-DYSTROGLYCANOPATHY, LIMB-GIRDLE, DAG1-RELATED. Identifiers: Orphanet 280333, MedGen C4511963, MONDO:0013440, OMIM 613818.

Allele frequency attached by ClinVar (database versions not stated): gnomAD 0.00001; gnomAD exomes 0.00001 and 0.00002; TOPMed 0.00003.
gnomAD v4.1: 37 of 1,614,056 alleles (0.0023%); highest among the groups gnomAD compares: Non-Finnish European, 0.0023%; no homozygotes.

Submission:

Labcorp Genetics (formerly Invitae), Labcorp
Classification: Uncertain significance for Autosomal recessive limb-girdle muscular dystrophy type 2P; Muscular dystrophy-dystroglycanopathy (congenital with brain and eye anomalies), type A9. Last evaluated: 2022-07-18. Review status: criteria provided, single submitter. Criteria: Invitae Variant Classification Sherloc (09022015). Collection method: clinical testing. Allele origin: germline.
Comment: This sequence change replaces threonine, which is neutral and polar, with methionine, which is neutral and non-polar, at codon 851 of the DAG1 protein (p.Thr851Met). This variant is present in population databases (no rsID available, gnomAD 0.003%). This variant has not been reported in the literature in individuals affected with DAG1-related conditions. ClinVar contains an entry for this variant (Variation ID: 666188). Algorithms developed to predict the effect of missense changes on protein structure and function are either unavailable or do not agree on the potential impact of this missense change (SIFT: "Deleterious"; PolyPhen-2: "Benign"; Align-GVGD: "Class C0"). In summary, the available evidence is currently insufficient to determine the role of this variant in disease. Therefore, it has been classified as a Variant of Uncertain Significance.